The following is an entry in ClinVar:

NM_000540.3(RYR1):c.14902T>C (p.Tyr4968His)

Gene: RYR1 (ryanodine receptor 1; plus strand). Cytogenetic location: 19q13.2.
Variant type: single nucleotide variant.
Coding change: c.14902T>C on transcript NM_000540.3 (MANE Select); coding-DNA position 14902, T replaced by C.
Protein change: p.Tyr4968His; replaces tyrosine 4968 with histidine.
Molecular consequence: missense variant.
Genome position (GRCh38, 1-based): chr19:38,586,124, T>C. VCF-style: chr19-38586124-T-C. GRCh37 (hg19) VCF-style: chr19-39076764-T-C.
Other names: c.14887T>C, p.Tyr4963His (NM_001042723.2); short protein forms Y4963H, Y4968H.
Identifiers: ClinVar variation 1713831 (VCV001713831.5), dbSNP rs2514779947, ClinGen allele CA405692881.

ClinVar aggregate classification (germline): Uncertain significance (1 of 4 stars; one submission).

Conditions:
RYR1-related disorder. Also called: RYR1-related condition; RYR1-related disorders. Identifiers: MedGen CN239331.

Submission:

Labcorp Genetics (formerly Invitae), Labcorp
Classification: Uncertain significance for RYR1-related disorder. Last evaluated: 2025-10-02. Review status: criteria provided, single submitter. Criteria: Invitae Variant Classification Sherloc (09022015). Collection method: clinical testing. Allele origin: germline.
Comment: This sequence change replaces tyrosine, which is neutral and polar, with histidine, which is basic and polar, at codon 4968 of the RYR1 protein (p.Tyr4968His). This variant is not present in population databases (gnomAD no frequency). This variant has not been reported in the literature in individuals affected with RYR1-related conditions. ClinVar contains an entry for this variant (Variation ID: 1713831). Invitae Evidence Modeling of protein sequence and biophysical properties (such as structural, functional, and spatial information, amino acid conservation, physicochemical variation, residue mobility, and thermodynamic stability) has been performed for this missense variant. However, the output from this modeling did not meet the statistical confidence thresholds required to predict the impact of this variant on RYR1 protein function. In summary, the available evidence is currently insufficient to determine the role of this variant in disease. Therefore, it has been classified as a Variant of Uncertain Significance.